The following is an entry in ClinVar:

NM_015910.7(WDPCP):c.100A>G (p.Met34Val)

Gene: WDPCP (WD repeat containing planar cell polarity effector; minus strand). Cytogenetic location: 2p15.
Variant type: single nucleotide variant.
Coding change: c.100A>G on transcript NM_015910.7 (MANE Select); coding-DNA position 100, A replaced by G.
Protein change: p.Met34Val; replaces methionine 34 with valine.
Molecular consequence: missense variant. On other transcripts: non-coding transcript variant (2).
Genome position (GRCh38, 1-based): chr2:63,492,916, T>C on the plus strand (A>G on the coding strand, the complement: WDPCP is on the minus strand). VCF-style: chr2-63492916-T-C. GRCh37 (hg19) VCF-style: chr2-63720050-T-C.
Other names: c.28A>G, p.Met10Val (NM_001354044.2); c.100A>G, p.Met34Val (NM_001354045.2); short protein forms M10V, M34V.
Identifiers: ClinVar variation 5006317 (VCV005006317.2).

ClinVar aggregate classification (germline): Uncertain significance (1 of 4 stars; one submission).

Conditions:
Heart defect - tongue hamartoma - polysyndactyly syndrome. Also called: Congenital heart defects, hamartomas of tongue, and polysyndactyly. Identifiers: Orphanet 1338, MedGen C1857587, MONDO:0009008, OMIM 217085.
Bardet-Biedl syndrome 15 (BBS15). Identifiers: Orphanet 110, MedGen C3150127, MONDO:0014443, OMIM 615992.

gnomAD v4.1: 4 of 1,613,386 alleles (0.00025%); highest among the groups gnomAD compares: East Asian, 0.0067%; no homozygotes.

Submission:

Juno Genomics, Hangzhou Juno Genomics, Inc
Classification: Uncertain significance for Bardet-Biedl syndrome 15; Heart defect - tongue hamartoma - polysyndactyly syndrome. Review status: criteria provided, single submitter. Criteria: ACMG Guidelines, 2015. Collection method: clinical testing. Allele origin: germline.
Comment: Absent from controls (or at extremely low frequency if recessive) in Genome Aggregation Database.;Multiple lines of computational evidence support a deleterious effect on the gene or gene product.